The following is an entry in ClinVar:

ClinVar aggregate classification (germline): Likely benign. Review status: criteria provided, multiple submitters, no conflicts (2 of 4 stars). 2 submissions from 2 submitters: Likely benign (2). Last evaluated 2025-08-03.

Conditions:
Multiple congenital anomalies-hypotonia-seizures syndrome 3 (MCAHS3). Also called: GLYCOSYLPHOSPHATIDYLINOSITOL BIOSYNTHESIS DEFECT 7. Identifiers: Orphanet 369837, MedGen C3809356, MONDO:0014165, OMIM 615398.

Allele frequency attached by ClinVar (database versions not stated): gnomAD 0.00001; TOPMed 0.00001; ExAC 0.00002; gnomAD exomes 0.00002 and 0.00004.
gnomAD v4.1: 13 of 1,613,740 alleles (0.00081%); highest among the groups gnomAD compares: Admixed American, 0.022%; no homozygotes.

Submissions (2):

Labcorp Genetics (formerly Invitae), Labcorp
Classification: Likely benign for Multiple congenital anomalies-hypotonia-seizures syndrome 3. Last evaluated: 2025-08-03. Review status: criteria provided, single submitter. Criteria: Invitae Variant Classification Sherloc (09022015). Collection method: clinical testing. Allele origin: germline.

CeGaT Center for Human Genetics Tuebingen
Classification: Likely benign. Last evaluated: 2024-08-01. Review status: criteria provided, single submitter. Criteria: CeGaT Center For Human Genetics Tuebingen Variant Classification Criteria Version 2. Collection method: clinical testing. Allele origin: germline. Affected: yes. Observed: 1 variant allele.
Comment: PIGT: BP4, BP7

NM_015937.6(PIGT):c.957C>T (p.Asp319=)

Gene: PIGT (phosphatidylinositol glycan anchor biosynthesis class T; plus strand). Cytogenetic location: 20q13.12.
Variant type: single nucleotide variant.
Coding change: c.957C>T on transcript NM_015937.6 (MANE Select); coding-DNA position 957, C replaced by T.
Protein change: p.Asp319=; no amino-acid change (aspartic acid 319 retained).
Molecular consequence: synonymous variant. On other transcripts: non-coding transcript variant (5).
Genome position (GRCh38, 1-based): chr20:45,420,617, C>T. VCF-style: chr20-45420617-C-T. GRCh37 (hg19) VCF-style: chr20-44049257-C-T.
Other names: c.789C>T, p.Asp263= (NM_001184728.3); c.957C>T, p.Asp319= (NM_001184729.3); c.651C>T, p.Asp217= (NM_001184730.3).
Identifiers: ClinVar variation 726831 (VCV000726831.24), dbSNP rs766725081, ClinGen allele CA9878113.